The following is an entry in ClinVar:

NM_001384474.1(LOXHD1):c.4842C>T (p.Thr1614=)

Gene: LOXHD1 (lipoxygenase homology PLAT domains 1; minus strand). Cytogenetic location: 18q21.1.
Variant type: single nucleotide variant.
Coding change: c.4842C>T on transcript NM_001384474.1 (MANE Select); coding-DNA position 4842, C replaced by T.
Protein change: p.Thr1614=; no amino-acid change (threonine 1614 retained).
Molecular consequence: synonymous variant.
Genome position (GRCh38, 1-based): chr18:46,524,500, G>A on the plus strand (C>T on the coding strand, the complement: LOXHD1 is on the minus strand). VCF-style: chr18-46524500-G-A. GRCh37 (hg19) VCF-style: chr18-44104463-G-A.
Other names: c.1509C>T, p.Thr503= (NM_001145472.3); c.1221C>T, p.Thr407= (NM_001308013.2); c.4842C>T, p.Thr1614= (NM_144612.7).
Identifiers: ClinVar variation 505874 (VCV000505874.15), dbSNP rs779714173, ClinGen allele CA8952290.

ClinVar aggregate classification (germline): Likely benign. Review status: criteria provided, multiple submitters, no conflicts (2 of 4 stars). 2 submissions from 2 submitters: Likely benign (2). Last evaluated 2024-03-21.

Allele frequency attached by ClinVar (database versions not stated): gnomAD 0.00007; ExAC 0.00009; TOPMed 0.00010; 1000 Genomes Project 30x 0.00016.
gnomAD v4.1: 46 of 1,551,722 alleles (0.003%); highest among the groups gnomAD compares: Admixed American, 0.033%; no homozygotes.

Submissions (2):

Labcorp Genetics (formerly Invitae), Labcorp
Classification: Likely benign. Last evaluated: 2024-03-21. Review status: criteria provided, single submitter. Criteria: Invitae Variant Classification Sherloc (09022015). Collection method: clinical testing. Allele origin: germline.

Laboratory for Molecular Medicine, Mass General Brigham Personalized Medicine
Classification: Likely benign. Last evaluated: 2017-07-05. Review status: criteria provided, single submitter. Criteria: LMM Criteria. Collection method: clinical testing. Allele origin: germline. Observed: 1 variant allele.
Comment: p.Thr1614Thr in exon 31 of LOXHD1: This variant is not expected to have clinical significance because it does not alter an amino acid residue and is not located within the splice consensus sequence. It has been identified in 4/22822 South A sian chromosomes by the Genome Aggregation Database (gnomAD; dbSNP rs779714173).